The following is an entry in ClinVar:

ClinVar aggregate classification (germline): Uncertain significance (1 of 4 stars; one submission).

Conditions:
Autosomal dominant limb-girdle muscular dystrophy type 1F (LGMDD2). Also called: Limb-girdle muscular dystrophy, type 1F; MUSCULAR DYSTROPHY, LIMB-GIRDLE, AUTOSOMAL DOMINANT 2. Identifiers: Orphanet 55595, MedGen C1842062, MONDO:0012034, OMIM 608423.

Submission:

Labcorp Genetics (formerly Invitae), Labcorp
Classification: Uncertain significance for Autosomal dominant limb-girdle muscular dystrophy type 1F. Last evaluated: 2024-01-22. Review status: criteria provided, single submitter. Criteria: Invitae Variant Classification Sherloc (09022015). Collection method: clinical testing. Allele origin: germline.
Comment: This sequence change replaces lysine, which is basic and polar, with asparagine, which is neutral and polar, at codon 309 of the TNPO3 protein (p.Lys309Asn). This variant is not present in population databases (gnomAD no frequency). This variant has not been reported in the literature in individuals affected with TNPO3-related conditions. Advanced modeling of protein sequence and biophysical properties (such as structural, functional, and spatial information, amino acid conservation, physicochemical variation, residue mobility, and thermodynamic stability) performed at Invitae indicates that this missense variant is not expected to disrupt TNPO3 protein function with a negative predictive value of 80%. In summary, the available evidence is currently insufficient to determine the role of this variant in disease. Therefore, it has been classified as a Variant of Uncertain Significance.

NM_012470.4(TNPO3):c.927A>C (p.Lys309Asn)

Gene: TNPO3 (transportin 3; minus strand). Cytogenetic location: 7q32.1.
Variant type: single nucleotide variant.
Coding change: c.927A>C on transcript NM_012470.4 (MANE Select); coding-DNA position 927, A replaced by C.
Protein change: p.Lys309Asn; replaces lysine 309 with asparagine.
Molecular consequence: missense variant. On other transcripts: non-coding transcript variant (18).
Genome position (GRCh38, 1-based): chr7:129,000,513, T>G on the plus strand (A>C on the coding strand, the complement: TNPO3 is on the minus strand). VCF-style: chr7-129000513-T-G. GRCh37 (hg19) VCF-style: chr7-128640567-T-G.
Other names: c.927A>C, p.Lys309Asn (NM_001191028.3, NM_001382216.1, NM_001382218.1 and 4 more transcripts); c.1008A>C, p.Lys336Asn (NM_001382217.1); c.783A>C, p.Lys261Asn (NM_001382221.1); short protein forms K261N, K309N, K336N.
Identifiers: ClinVar variation 2994815 (VCV002994815.3), dbSNP rs2536244637, ClinGen allele CA369238107.
Genomic context (GRCh38, chr7:129,000,513, plus strand): 5'-GATAAGCAGCAGCTCCAGAGTTCGAAGGTCCCCAAGACCTTGGCCTGGAGTACAAACAAT[T>G]TTTTCAAGAAAAGTTTCACATAGTTCAGTGAAAATACGGCAGTAATTCAGAACTCTGTAG-3'
Protein context (NP_036602.1, residues 299-319): FTELCETFLE[Lys309Asn]IVCTPGQGLG